The following is an entry in ClinVar:

NM_004385.5(VCAN):c.3605C>T (p.Thr1202Ile)

Gene: VCAN (versican; plus strand). Cytogenetic location: 5q14.3.
Variant type: single nucleotide variant.
Coding change: c.3605C>T on transcript NM_004385.5 (MANE Select); coding-DNA position 3605, C replaced by T.
Protein change: p.Thr1202Ile; replaces threonine 1202 with isoleucine.
Molecular consequence: missense variant. On other transcripts: intron variant (2).
Genome position (GRCh38, 1-based): chr5:83,521,911, C>T. VCF-style: chr5-83521911-C-T. GRCh37 (hg19) VCF-style: chr5-82817730-C-T.
Other names: c.3605C>T (NM_004385.4); c.3605C>T, p.Thr1202Ile (NM_001164098.2); c.1042+9515C>T (NM_001164097.2, NM_001126336.3); short protein forms T1202I.
Identifiers: ClinVar variation 3679052 (VCV003679052.3).

ClinVar aggregate classification (germline): Uncertain significance. Review status: criteria provided, multiple submitters, no conflicts (2 of 4 stars). 2 submissions from 2 submitters: Uncertain significance (2). Last evaluated 2025-12-15.

Conditions:
Inborn genetic diseases. Identifiers: MedGen C0950123, MeSH D030342.

Submissions (2):

Ambry Genetics
Classification: Uncertain significance for Inborn genetic diseases. Last evaluated: 2025-12-15. Review status: criteria provided, single submitter. Criteria: Ambry Variant Classification Scheme 2023. Collection method: clinical testing. Allele origin: germline.

Labcorp Genetics (formerly Invitae), Labcorp
Classification: Uncertain significance. Last evaluated: 2024-07-22. Review status: criteria provided, single submitter. Criteria: Invitae Variant Classification Sherloc (09022015). Collection method: clinical testing. Allele origin: germline.
Comment: This sequence change replaces threonine, which is neutral and polar, with isoleucine, which is neutral and non-polar, at codon 1202 of the VCAN protein (p.Thr1202Ile). This variant is not present in population databases (gnomAD no frequency). This variant has not been reported in the literature in individuals affected with VCAN-related conditions. An algorithm developed to predict the effect of missense changes on protein structure and function (PolyPhen-2) suggests that this variant is likely to be tolerated. In summary, the available evidence is currently insufficient to determine the role of this variant in disease. Therefore, it has been classified as a Variant of Uncertain Significance.